The following is an entry in ClinVar:

NM_080424.4(SP110):c.1343G>A (p.Arg448Gln)

Gene: SP110 (SP110 nuclear body protein; minus strand). Cytogenetic location: 2q37.1.
Variant type: single nucleotide variant.
Coding change: c.1343G>A on transcript NM_080424.4 (MANE Select); coding-DNA position 1343, G replaced by A.
Protein change: p.Arg448Gln; replaces arginine 448 with glutamine.
Molecular consequence: missense variant.
Genome position (GRCh38, 1-based): chr2:230,183,577, C>T on the plus strand (G>A on the coding strand, the complement: SP110 is on the minus strand). VCF-style: chr2-230183577-C-T. GRCh37 (hg19) VCF-style: chr2-231048293-C-T.
Other names: c.1343G>A (NM_004509.3); c.1361G>A, p.Arg454Gln (NM_001185015.2, NM_001378442.1, NM_001378444.1 and 2 more transcripts); c.1343G>A, p.Arg448Gln (NM_001378443.1, NM_004509.5, NM_004510.4); c.1193G>A, p.Arg398Gln (NM_001378447.1); short protein forms R398Q, R448Q, R454Q.
Identifiers: ClinVar variation 1392963 (VCV001392963.4), dbSNP rs201853984, ClinGen allele CA2154539.

ClinVar aggregate classification (germline): Conflicting classifications of pathogenicity. Review status: criteria provided, conflicting classifications (1 of 4 stars). 2 submissions from 2 submitters: Uncertain significance (1); Likely benign (1). Last evaluated 2022-09-07.

Conditions:
Inborn genetic diseases. Identifiers: MedGen C0950123, MeSH D030342.
Hepatic veno-occlusive disease-immunodeficiency syndrome. Also called: Hepatic Veno-Occlusive Disease with Immunodeficiency. Identifiers: Orphanet 79124, MedGen C1856128, MONDO:0009338, OMIM 235550. Disease mechanism: loss of function.

Allele frequency attached by ClinVar (database versions not stated): gnomAD exomes 0.00001 and 0.00002; ExAC 0.00003; TOPMed 0.00005; gnomAD 0.00007 and 0.00008.
gnomAD v4.1: 30 of 1,608,796 alleles (0.0019%); highest among the groups gnomAD compares: Admixed American, 0.018%; no homozygotes.

Submissions (2):

Labcorp Genetics (formerly Invitae), Labcorp
Classification: Uncertain significance for Hepatic veno-occlusive disease-immunodeficiency syndrome. Last evaluated: 2022-09-07. Review status: criteria provided, single submitter. Criteria: Invitae Variant Classification Sherloc (09022015). Collection method: clinical testing. Allele origin: germline.
Comment: This sequence change replaces arginine, which is basic and polar, with glutamine, which is neutral and polar, at codon 448 of the SP110 protein (p.Arg448Gln). This variant is present in population databases (rs201853984, gnomAD 0.007%). This variant has not been reported in the literature in individuals affected with SP110-related conditions. ClinVar contains an entry for this variant (Variation ID: 1392963). Algorithms developed to predict the effect of missense changes on protein structure and function output the following: SIFT: "Tolerated"; PolyPhen-2: "Benign"; Align-GVGD: "Class C0". The glutamine amino acid residue is found in multiple mammalian species, which suggests that this missense change does not adversely affect protein function. Algorithms developed to predict the effect of sequence changes on RNA splicing suggest that this variant may disrupt the consensus splice site. In summary, the available evidence is currently insufficient to determine the role of this variant in disease. Therefore, it has been classified as a Variant of Uncertain Significance.

Ambry Genetics
Classification: Likely benign for Inborn genetic diseases. Last evaluated: 2021-09-01. Review status: criteria provided, single submitter. Criteria: Ambry Variant Classification Scheme 2023. Collection method: clinical testing. Allele origin: germline.